The following is an entry in ClinVar:

ClinVar aggregate classification (germline): Uncertain significance. Review status: criteria provided, multiple submitters, no conflicts (2 of 4 stars). 2 submissions from 2 submitters: Uncertain significance (2). Last evaluated 2025-04-07.

Conditions:
Hereditary cancer-predisposing syndrome. Also called: Neoplastic Syndromes, Hereditary; Tumor predisposition; Hereditary Cancer Syndrome; Hereditary neoplastic syndrome. Identifiers: Orphanet 140162, MedGen C0027672, MeSH D009386, MONDO:0015356.

gnomAD v4.1: 2 of 1,614,000 alleles (0.00012%); highest among the groups gnomAD compares: East Asian, 0.0022%; no homozygotes.

Submissions (2):

Labcorp Genetics (formerly Invitae), Labcorp
Classification: Uncertain significance. Last evaluated: 2025-04-07. Review status: criteria provided, single submitter. Criteria: Invitae Variant Classification Sherloc (09022015). Collection method: clinical testing. Allele origin: germline.
Comment: This sequence change replaces threonine, which is neutral and polar, with serine, which is neutral and polar, at codon 256 of the NTHL1 protein (p.Thr256Ser). This variant is not present in population databases (gnomAD no frequency). This variant has not been reported in the literature in individuals affected with NTHL1-related conditions. ClinVar contains an entry for this variant (Variation ID: 639897). An algorithm developed to predict the effect of missense changes on protein structure and function (PolyPhen-2) suggests that this variant is likely to be disruptive. In summary, the available evidence is currently insufficient to determine the role of this variant in disease. Therefore, it has been classified as a Variant of Uncertain Significance.

Ambry Genetics
Classification: Uncertain significance for Hereditary cancer-predisposing syndrome. Last evaluated: 2021-09-21. Review status: criteria provided, single submitter. Criteria: Ambry Variant Classification Scheme 2023. Collection method: clinical testing. Allele origin: germline.
Comment: The p.T256S variant (also known as c.767C>G), located in coding exon 5 of the NTHL1 gene, results from a C to G substitution at nucleotide position 767. The threonine at codon 256 is replaced by serine, an amino acid with similar properties. This amino acid position is conserved. In addition, the in silico prediction for this alteration is inconclusive. Since supporting evidence is limited at this time, the clinical significance of this alteration remains unclear.

NM_002528.7(NTHL1):c.743C>G (p.Thr248Ser)

Gene: NTHL1 (nth like DNA glycosylase 1; minus strand). Cytogenetic location: 16p13.3.
Variant type: single nucleotide variant.
Coding change: c.743C>G on transcript NM_002528.7 (MANE Select); coding-DNA position 743, C replaced by G.
Protein change: p.Thr248Ser; replaces threonine 248 with serine.
Molecular consequence: missense variant.
Genome position (GRCh38, 1-based): chr16:2,040,181, G>C on the plus strand (C>G on the coding strand, the complement: NTHL1 is on the minus strand). VCF-style: chr16-2040181-G-C. GRCh37 (hg19) VCF-style: chr16-2090182-G-C.
Other names: c.572C>G, p.Thr191Ser (NM_001318193.2); c.413C>G, p.Thr138Ser (NM_001318194.2); c.743C>G, p.Thr248Ser (LRG_1366t1); short protein forms T248S, T138S, T191S.
Identifiers: ClinVar variation 639897 (VCV000639897.9), dbSNP rs577781337, ClinGen allele CA394288960.